The following is an entry in ClinVar:

NM_052947.4(ALPK2):c.4008C>G (p.Pro1336=)

Genes: ALPK2 (alpha kinase 2; minus strand), LOC126862764 (BRD4-independent group 4 enhancer GRCh37_chr18:56202574-56203773; plus strand). Cytogenetic location: 18q21.31.
Variant type: single nucleotide variant.
Coding change: c.4008C>G on transcript NM_052947.4 (MANE Select); coding-DNA position 4008, C replaced by G.
Protein change: p.Pro1336=; no amino-acid change (proline 1336 retained).
Molecular consequence: synonymous variant.
Genome position (GRCh38, 1-based): chr18:58,536,179, G>C on the plus strand (C>G on the coding strand, the complement: ALPK2 is on the minus strand). VCF-style: chr18-58536179-G-C. GRCh37 (hg19) VCF-style: chr18-56203411-G-C.
Identifiers: ClinVar variation 3059851 (VCV003059851.2), dbSNP rs3809980, ClinGen allele CA8976789.
Genomic context (GRCh38, chr18:58,536,179, plus strand): 5'-TGAATCTGTGACAGATAACTCCTTTTCATCTACAGGGTCCACGGATGACTCCAGGAGTCT[G>C]GGTTGGCTGAAACCCCGGGAAGAAAGACTTCTCCAATGTACACTGATGGTGGGCTCTTCG-3'
Protein context (NP_443179.3, residues 1326-1346): RSLSSRGFSQ[Pro1336=]RLLESSVDPV

ClinVar aggregate classification (germline): Benign (0 of 4 stars; one submission).

Conditions:
ALPK2-related disorder. Also called: ALPK2-related condition.

Allele frequency attached by ClinVar (database versions not stated): 1000 Genomes Project 30x 0.66708; 1000 Genomes Project 0.67153; TOPMed 0.68070; ESP Exome Variant Server 0.68322; gnomAD 0.69987; ExAC 0.74608.
gnomAD v4.1: 1,229,173 of 1,613,926 alleles (76%); highest among the groups gnomAD compares: East Asian, 81%; 471,820 homozygotes.

Submission:

PreventionGenetics, part of Exact Sciences
Classification: Benign for ALPK2-related condition. Last evaluated: 2019-10-17. Review status: no assertion criteria provided. Collection method: clinical testing. Allele origin: germline.
Comment: This variant is classified as benign based on ACMG/AMP sequence variant interpretation guidelines (Richards et al. 2015 PMID: 25741868, with internal and published modifications).